The following is an entry in ClinVar:

NM_001126108.2(SLC12A3):c.1850A>G (p.Gln617Arg)

Gene: SLC12A3 (solute carrier family 12 member 3; plus strand). Cytogenetic location: 16q13.
Variant type: single nucleotide variant.
Coding change: c.1850A>G on transcript NM_001126108.2 (MANE Select); coding-DNA position 1850, A replaced by G.
Protein change: p.Gln617Arg; replaces glutamine 617 with arginine.
Molecular consequence: missense variant.
Genome position (GRCh38, 1-based): chr16:56,885,289, A>G. VCF-style: chr16-56885289-A-G. GRCh37 (hg19) VCF-style: chr16-56919201-A-G.
Other names: c.1850A>G, p.Gln617Arg (NM_000339.3); c.1847A>G, p.Gln616Arg (NM_001126107.2, NM_001410896.1); short protein forms Q616R, Q617R.
Identifiers: ClinVar variation 3336569 (VCV003336569.2).

ClinVar aggregate classification (germline): Likely pathogenic. Review status: criteria provided, multiple submitters, no conflicts (2 of 4 stars). 2 submissions from 2 submitters: Likely pathogenic (2). Last evaluated 2024-05-24.

Conditions:
Familial hypokalemia-hypomagnesemia (GTLMNS). Also called: HYPOMAGNESEMIA-HYPOKALEMIA, PRIMARY RENOTUBULAR, WITH HYPOCALCIURIA; POTASSIUM AND MAGNESIUM DEPLETION; gitelman syndrome. Identifiers: Orphanet 358, MedGen C0268450, MONDO:0009904, OMIM 263800.

Submissions (2):

Fulgent Genetics
Classification: Likely pathogenic for Familial hypokalemia-hypomagnesemia. Last evaluated: 2024-05-24. Review status: criteria provided, single submitter. Criteria: ACMG Guidelines, 2015. Collection method: clinical testing. Allele origin: germline.

Women's Health and Genetics/Laboratory Corporation of America, LabCorp
Classification: Likely pathogenic for Familial hypokalemia-hypomagnesemia. Last evaluated: 2024-05-15. Review status: criteria provided, single submitter. Criteria: LabCorp Variant Classification Summary - May 2015. Collection method: clinical testing. Allele origin: germline.
Comment: Variant summary: SLC12A3 c.1850A>G (p.Gln617Arg) results in a conservative amino acid change in the encoded protein sequence. Three of five in-silico tools predict a benign effect of the variant on protein function. The frequency data for this variant in gnomAD is considered unreliable, as metrics indicate poor data quality at this position. c.1850A>G has been reported in the literature in individuals affected with Familial Hypokalemia-Hypomagnesemia. These data indicate that the variant is likely to be associated with disease. At least one publication reports experimental evidence evaluating an impact on protein function. The most pronounced variant effect results in 63% of normal activity. The following publications have been ascertained in the context of this evaluation (PMID: 34860177, 35628451, 28700713, 31398183). No submitters have cited clinical-significance assessments for this variant to ClinVar. Based on the evidence outlined above, the variant was classified as likely pathogenic.

Literature cited by the submitters: PubMed 35628451 (cited by Women's Health and Genetics/Laboratory Corporation of America, LabCorp); PubMed 31398183 (cited by Women's Health and Genetics/Laboratory Corporation of America, LabCorp); PubMed 28700713 (cited by Women's Health and Genetics/Laboratory Corporation of America, LabCorp); PubMed 34860177 (cited by Women's Health and Genetics/Laboratory Corporation of America, LabCorp).